The following is an entry in ClinVar:

ClinVar aggregate classification (germline): Pathogenic. Review status: criteria provided, multiple submitters, no conflicts (2 of 4 stars). 2 submissions from 2 submitters: Pathogenic (2). Last evaluated 2020-07-22.

Conditions:
3-Methylglutaconic aciduria type 2 (BTHS). Also called: CARDIOSKELETAL MYOPATHY WITH NEUTROPENIA AND ABNORMAL MITOCHONDRIA; Barth syndrome. Identifiers: Orphanet 111, MedGen C0574083, MONDO:0010543, OMIM 302060.

Submissions (2):

Molecular Diagnostics Lab, Nemours Children's Health, Delaware
Classification: Pathogenic for 3-Methylglutaconic aciduria type 2. Last evaluated: 2020-07-22. Review status: criteria provided, single submitter. Criteria: ACMG Guidelines, 2015. Collection method: clinical testing. Allele origin: unknown. Inheritance: X-linked inheritance. Affected: no. Observed: 1 heterozygote.

GeneDx
Classification: Pathogenic. Last evaluated: 2015-05-07. Review status: criteria provided, single submitter. Criteria: GeneDx Variant Classification (06012015). Collection method: clinical testing. Allele origin: germline. Affected: yes.
Comment: Although the c.461-2 A>G mutation has not been reported as a disease-causing mutation or as a benign polymorphism to our knowledge, this mutation destroys the canonical splice acceptor site in intron 5 and is predicted to cause abnormal gene splicing. The mutation is predicted to lead to either an abnormal message that is subject to nonsense-mediated mRNA decay, or to an abnormal protein product if the message is used for protein translation. Other splice site mutations in the TAZ gene have been reported in HGMD in association with Barth syndrome (Stenson P et al., 2014). Furthermore, the c.461-2 A>G mutation was not observed in approximately 6,500 individuals of European and African American ancestry in the NHLBI Exome Sequencing Project, indicating it is not a common benign variant in these populations.In summary, c.461-2 A>G in the TAZ gene is interpreted as a disease-causing mutation.

NM_000116.5(TAFAZZIN):c.461-2A>G

Gene: TAFAZZIN (tafazzin, phospholipid-lysophospholipid transacylase; plus strand). Cytogenetic location: Xq28.
Variant type: single nucleotide variant.
Coding change: c.461-2A>G on transcript NM_000116.5 (MANE Select); the canonical splice acceptor site of the intron before coding-DNA position 461, A replaced by G.
Molecular consequence: splice acceptor variant.
Genome position (GRCh38, 1-based): chrX:154,419,541, A>G. VCF-style: chrX-154419541-A-G. GRCh37 (hg19) VCF-style: chrX-153647880-A-G.
Other names: c.515-2A>G (NM_001303465.2); c.425-2A>G (NM_001410698.1); c.461-2A>G (NM_181312.4); c.371-2A>G (NM_181311.4, NM_181313.4).
Identifiers: ClinVar variation 234475 (VCV000234475.4), dbSNP rs876661038, ClinGen allele CA10577646.